The following is an entry in ClinVar:

ClinVar aggregate classification (germline): Likely benign. Review status: criteria provided, multiple submitters, no conflicts (2 of 4 stars). 3 submissions from 3 submitters: Likely benign (2). 1 of the submissions does not count toward it. Last evaluated 2024-11-28.

Conditions:
UPK3A-related disorder. Also called: UPK3A-related condition.
Renal hypodysplasia/aplasia 1 (RHDA1). Also called: HEREDITARY RENAL APLASIA; RENAL APLASIA. Identifiers: Orphanet 411709, MedGen C1619700, MONDO:0024519, OMIM 191830.

Allele frequency attached by ClinVar (database versions not stated): 1000 Genomes Project 0.00399; TOPMed 0.00502; ESP Exome Variant Server 0.00554.
gnomAD v4.1: 1,404 of 1,613,684 alleles (0.087%); highest among the groups gnomAD compares: African/African-American, 1.6%; 12 homozygotes.

Submissions (3):

Blueprint Genetics
Classification: Likely benign. Last evaluated: 2024-11-28. Review status: criteria provided, single submitter. Criteria: ACMG Guidelines, 2015. Collection method: clinical testing. Allele origin: germline.

Illumina Laboratory Services, Illumina
Classification: Likely benign for Renal hypodysplasia/aplasia 1. Last evaluated: 2018-01-13. Review status: criteria provided, single submitter. Criteria: ICSL Variant Classification Criteria 13 December 2019. Collection method: clinical testing. Allele origin: germline.
Comment: This variant was observed in the ICSL laboratory as part of a predisposition screen in an ostensibly healthy population. It had not been previously curated by ICSL or reported in the Human Gene Mutation Database (HGMD: prior to June 1st, 2018), and was therefore a candidate for classification through an automated scoring system. Utilizing variant allele frequency, disease prevalence and penetrance estimates, and inheritance mode, an automated score was calculated to assess if this variant is too frequent to cause the disease. Based on the score and internal cut-off values, a variant classified as likely benign is not then subjected to further curation. The score for this variant resulted in a classification of likely benign for this disease.

PreventionGenetics, part of Exact Sciences
Classification: Benign for UPK3A-related condition. Last evaluated: 2019-07-01. Review status: no assertion criteria provided. Collection method: clinical testing. Allele origin: germline. Not counted in ClinVar's aggregate classification.
Comment: This variant is classified as benign based on ACMG/AMP sequence variant interpretation guidelines (Richards et al. 2015 PMID: 25741868, with internal and published modifications).

NM_006953.4(UPK3A):c.704+8C>G

Gene: UPK3A (uroplakin 3A; plus strand). Cytogenetic location: 22q13.31.
Variant type: single nucleotide variant.
Coding change: c.704+8C>G on transcript NM_006953.4 (MANE Select); 8 bases into the intron after coding-DNA position 704, C replaced by G.
Molecular consequence: intron variant.
Genome position (GRCh38, 1-based): chr22:45,293,321, C>G. VCF-style: chr22-45293321-C-G. GRCh37 (hg19) VCF-style: chr22-45689202-C-G.
Other names: c.341+8C>G (NM_001167574.2).
Identifiers: ClinVar variation 902580 (VCV000902580.8), dbSNP rs112177270, ClinGen allele CA10284511.